The following is an entry in ClinVar:

NM_005045.4(RELN):c.5389G>T (p.Val1797Phe)

Gene: RELN (reelin; minus strand). Cytogenetic location: 7q22.1.
Variant type: single nucleotide variant.
Coding change: c.5389G>T on transcript NM_005045.4 (MANE Select); coding-DNA position 5389, G replaced by T.
Protein change: p.Val1797Phe; replaces valine 1797 with phenylalanine.
Molecular consequence: missense variant.
Genome position (GRCh38, 1-based): chr7:103,561,672, C>A on the plus strand (G>T on the coding strand, the complement: RELN is on the minus strand). VCF-style: chr7-103561672-C-A. GRCh37 (hg19) VCF-style: chr7-103202119-C-A.
Other names: c.5389G>T, p.Val1797Phe (NM_173054.3); short protein forms V1797F.
Identifiers: ClinVar variation 2940808 (VCV002940808.3), dbSNP rs1830644819, ClinGen allele CA368744066.

ClinVar aggregate classification (germline): Uncertain significance (1 of 4 stars; one submission).

Conditions:
Norman-Roberts syndrome (LIS2). Also called: Lissencephaly 2 (Norman-Roberts type). Identifiers: Orphanet 89844, MedGen C0796089, MONDO:0009760, OMIM 257320.
Familial temporal lobe epilepsy 7. Identifiers: Orphanet 101046, MedGen C4225327, MONDO:0014639, OMIM 616436.

Allele frequency attached by ClinVar (database versions not stated): gnomAD exomes below 0.00001; TOPMed below 0.00001; gnomAD 0.00001.
gnomAD v4.1: 2 of 1,613,824 alleles (0.00012%); highest among the groups gnomAD compares: Non-Finnish European, 0.00017%; no homozygotes.

Submission:

Labcorp Genetics (formerly Invitae), Labcorp
Classification: Uncertain significance for Familial temporal lobe epilepsy 7; Norman-Roberts syndrome. Last evaluated: 2024-03-07. Review status: criteria provided, single submitter. Criteria: Invitae Variant Classification Sherloc (09022015). Collection method: clinical testing. Allele origin: germline.
Comment: This sequence change replaces valine, which is neutral and non-polar, with phenylalanine, which is neutral and non-polar, at codon 1797 of the RELN protein (p.Val1797Phe). This variant is not present in population databases (gnomAD no frequency). This variant has not been reported in the literature in individuals affected with RELN-related conditions. Advanced modeling of protein sequence and biophysical properties (such as structural, functional, and spatial information, amino acid conservation, physicochemical variation, residue mobility, and thermodynamic stability) performed at Invitae indicates that this missense variant is not expected to disrupt RELN protein function with a negative predictive value of 80%. In summary, the available evidence is currently insufficient to determine the role of this variant in disease. Therefore, it has been classified as a Variant of Uncertain Significance.